The following is an entry in ClinVar:

ClinVar aggregate classification (germline): Pathogenic (1 of 4 stars; one submission).

Submission:

Labcorp Genetics (formerly Invitae), Labcorp
Classification: Pathogenic. Last evaluated: 2023-02-18. Review status: criteria provided, single submitter. Criteria: Invitae Variant Classification Sherloc (09022015). Collection method: clinical testing. Allele origin: germline.
Comment: Algorithms developed to predict the effect of sequence changes on RNA splicing suggest that this variant may create or strengthen a splice site. For these reasons, this variant has been classified as Pathogenic. This variant has not been reported in the literature in individuals affected with FRAS1-related conditions. This variant is not present in population databases (gnomAD no frequency). This sequence change creates a premature translational stop signal (p.Val3309Glyfs*25) in the FRAS1 gene. It is expected to result in an absent or disrupted protein product. Loss-of-function variants in FRAS1 are known to be pathogenic (PMID: 12766769, 18671281).

Literature cited by the submitters: PubMed 12766769; PubMed 18671281.

NM_025074.7(FRAS1):c.9925dup (p.Val3309fs)

Gene: FRAS1 (Fraser extracellular matrix complex subunit 1; plus strand). Cytogenetic location: 4q21.21.
Variant type: Duplication.
Coding change: c.9925dup on transcript NM_025074.7 (MANE Select); coding-DNA position 9925, one base duplicated (G; older notation c.9925dupG).
Protein change: p.Val3309fs; shifts the reading frame from valine 3309.
Molecular consequence: frameshift variant.
Genome position (GRCh38, 1-based): chr4:78,511,418, G duplicated; the last of 2 consecutive G bases (chr4:78,511,417-78,511,418); duplicating either gives the same sequence. VCF-style (leftmost placement, unchanged base first): chr4-78511416-T-TG. GRCh37 (hg19) VCF-style: chr4-79432570-T-TG.
Other names: short protein forms V3309fs.
Identifiers: ClinVar variation 2838797 (VCV002838797.3), dbSNP rs2475813744, ClinGen allele CA2578124527.